The following is an entry in ClinVar:

ClinVar aggregate classification (germline): Conflicting classifications of pathogenicity. Review status: criteria provided, conflicting classifications (1 of 4 stars). 8 submissions from 8 submitters: Uncertain significance (6); Likely benign (2). Last evaluated 2025-03-26.

Conditions:
Inborn genetic diseases. Identifiers: MedGen C0950123, MeSH D030342.
Cranioectodermal dysplasia 2 (CED2). Identifiers: Orphanet 1515, MedGen C3150874, MONDO:0013323, OMIM 613610.
Short-rib thoracic dysplasia 7 with or without polydactyly (SRTD7). Also called: Short rib polydactyly syndrome 5; SHORT-RIB THORACIC DYSPLASIA 7 WITH POLYDACTYLY. Identifiers: Orphanet 498497, Orphanet 93271, MedGen C3279792, MONDO:0013569, OMIM 614091.

Allele frequency attached by ClinVar (database versions not stated): gnomAD 0.00002; gnomAD exomes 0.00002 and 0.00003.
gnomAD v4.1: 47 of 1,611,732 alleles (0.0029%); highest among the groups gnomAD compares: Middle Eastern, 0.51%; no homozygotes.

Submissions (8):

Ambry Genetics
Classification: Likely benign for Inborn genetic diseases. Last evaluated: 2025-03-26. Review status: criteria provided, single submitter. Criteria: Ambry Variant Classification Scheme 2023. Collection method: clinical testing. Allele origin: germline.

Blueprint Genetics
Classification: Likely benign. Last evaluated: 2024-09-25. Review status: criteria provided, single submitter. Criteria: ACMG Guidelines, 2015. Collection method: clinical testing. Allele origin: germline.

Labcorp Genetics (formerly Invitae), Labcorp
Classification: Uncertain significance for Cranioectodermal dysplasia 2; Short-rib thoracic dysplasia 7 with or without polydactyly. Last evaluated: 2022-08-15. Review status: criteria provided, single submitter. Criteria: Invitae Variant Classification Sherloc (09022015). Collection method: clinical testing. Allele origin: germline.
Comment: In summary, the available evidence is currently insufficient to determine the role of this variant in disease. Therefore, it has been classified as a Variant of Uncertain Significance. Algorithms developed to predict the effect of sequence changes on RNA splicing suggest that this variant may create or strengthen a splice site. Algorithms developed to predict the effect of missense changes on protein structure and function output the following: SIFT: "Tolerated"; PolyPhen-2: "Benign"; Align-GVGD: "Class C0". The valine amino acid residue is found in multiple mammalian species, which suggests that this missense change does not adversely affect protein function. ClinVar contains an entry for this variant (Variation ID: 212589). This variant has not been reported in the literature in individuals affected with WDR35-related conditions. This variant is present in population databases (rs797046099, gnomAD 0.01%). This sequence change replaces methionine, which is neutral and non-polar, with valine, which is neutral and non-polar, at codon 490 of the WDR35 protein (p.Met490Val).

Fulgent Genetics
Classification: Uncertain significance for Cranioectodermal dysplasia 2; Short-rib thoracic dysplasia 7 with or without polydactyly. Last evaluated: 2022-03-24. Review status: criteria provided, single submitter. Criteria: ACMG Guidelines, 2015. Collection method: clinical testing. Allele origin: unknown.

CeGaT Center for Human Genetics Tuebingen
Classification: Uncertain significance. Last evaluated: 2019-07-01. Review status: criteria provided, single submitter. Criteria: CeGaT Center For Human Genetics Tuebingen Variant Classification Criteria Version 2. Collection method: clinical testing. Allele origin: germline. Affected: yes. Observed: 1 variant allele.

Eurofins Ntd Llc (ga)
Classification: Uncertain significance. Last evaluated: 2015-06-22. Review status: criteria provided, single submitter. Criteria: EGL Classification Definitions 2015. Collection method: clinical testing. Allele origin: germline. Observed: 2 variant alleles, 2 heterozygotes.

Genetic Services Laboratory, University of Chicago
Classification: Uncertain significance. Last evaluated: 2015-06-11. Review status: criteria provided, single submitter. Criteria: ACMG Guidelines, 2015. Collection method: clinical testing. Allele origin: germline.

Breakthrough Genomics
Classification: Uncertain significance. Review status: criteria provided, single submitter. Criteria: ACMG Guidelines, 2015. Collection method: not provided. Allele origin: germline. Inheritance: Autosomal recessive inheritance. Affected: yes.

NM_020779.4(WDR35):c.1435A>G (p.Met479Val)

Gene: WDR35 (WD repeat domain 35; minus strand). Cytogenetic location: 2p24.1.
Variant type: single nucleotide variant.
Coding change: c.1435A>G on transcript NM_020779.4 (MANE Select); coding-DNA position 1435, A replaced by G.
Protein change: p.Met479Val; replaces methionine 479 with valine.
Molecular consequence: missense variant.
Genome position (GRCh38, 1-based): chr2:19,951,450, T>C on the plus strand (A>G on the coding strand, the complement: WDR35 is on the minus strand). VCF-style: chr2-19951450-T-C. GRCh37 (hg19) VCF-style: chr2-20151211-T-C.
Other names: c.1468A>G, p.Met490Val (NM_001006657.2); short protein forms M490V, M479V.
Identifiers: ClinVar variation 212589 (VCV000212589.58), dbSNP rs797046099, ClinGen allele CA206270.